The following is an entry in ClinVar:

ClinVar aggregate classification (germline): Uncertain significance (1 of 4 stars; one submission).

gnomAD v4.1: 2 of 1,551,254 alleles (0.00013%); highest among the groups gnomAD compares: Admixed American, 0.002%; no homozygotes.

Submission:

Dasa
Classification: Uncertain significance. Last evaluated: 2026-02-27. Review status: criteria provided, single submitter. Criteria: DASA Assertion Criteria. Collection method: clinical testing. Allele origin: germline.
Comment: NM_001353345.2(SETD1B):c.1777C>T (p.Arg593Trp) is a missense variant that results in the substitution of arginine with tryptophan. This variant is rare in population databases. The currently available literature and clinical evidence are not sufficient to establish a definitive association between this variant and the reported condition. Therefore, this variant is classified as a variant of uncertain significance.

NM_001353345.2(SETD1B):c.1777C>T (p.Arg593Trp)

Gene: SETD1B (SET domain containing 1B, histone lysine methyltransferase; plus strand). Cytogenetic location: 12q24.31.
Variant type: single nucleotide variant.
Coding change: c.1777C>T on transcript NM_001353345.2 (MANE Select); coding-DNA position 1777, C replaced by T.
Protein change: p.Arg593Trp; replaces arginine 593 with tryptophan.
Molecular consequence: missense variant.
Genome position (GRCh38, 1-based): chr12:121,810,722, C>T. VCF-style: chr12-121810722-C-T. GRCh37 (hg19) VCF-style: chr12-122248628-C-T.
Other names: short protein forms R593W.
Identifiers: ClinVar variation 4882776 (VCV004882776.2).